The following is an entry in ClinVar:

ClinVar aggregate classification (germline): Pathogenic (1 of 4 stars; one submission).

Conditions:
VPS13A-related neurodegenerative disease. Also called: ACANTHOCYTOSIS WITH NEUROLOGIC DISORDER; LEVINE-CRITCHLEY SYNDROME; Choreoacanthocytosis; Chorea-acanthocytosis; Choreaacanthocytosis; VPS13A Disease. Identifiers: Orphanet 2388, MedGen C0393576, MONDO:0008695, OMIM 200150.

Submission:

Myriad Genetics, Inc.
Classification: Pathogenic for VPS13A-related neurodegenerative disease. Last evaluated: 2024-05-14. Review status: criteria provided, single submitter. Criteria: Myriad Autosomal Dominant, Autosomal Recessive and X-Linked Classification Criteria (2023). Collection method: clinical testing. Allele origin: unknown.
Comment: NM_033305.2(VPS13A):c.3454_3455ins19(I1152Nfs*12) is expected to be pathogenic in the context of VPS13A disease. This variant is predicted to lead to an abnormal or absent protein product due to the creation of a premature termination codon in VPS13A, a gene where loss-of-function variants are known to be pathogenic. Please note: this variant was assessed in the context of healthy population screening.

NM_033305.3(VPS13A):c.3454_3455insACTGTCTCTTATACACATC (p.Ile1152fs)

Gene: VPS13A (vacuolar protein sorting 13 homolog A; plus strand). Cytogenetic location: 9q21.2.
Variant type: Insertion.
Coding change: c.3454_3455insACTGTCTCTTATACACATC on transcript NM_033305.3 (MANE Select); coding-DNA positions 3454 to 3455, ACTGTCTCTTATACACATC inserted.
Protein change: p.Ile1152fs; shifts the reading frame from isoleucine 1152.
Molecular consequence: frameshift variant.
Genome position: GRCh38 VCF-style: chr9-77293455-A-AACTGTCTCTTATACACATC. GRCh37 (hg19) VCF-style: chr9-79908371-A-AACTGTCTCTTATACACATC.
Other names: c.3337_3338insACTGTCTCTTATACACATC, p.Ile1113fs (NM_001018037.2); c.3454_3455insACTGTCTCTTATACACATC, p.Ile1152fs (NM_001018038.3, NM_015186.4); short protein forms I1113fs, I1152fs.
Identifiers: ClinVar variation 5011130 (VCV005011130.1).
Genomic context (GRCh38, chr9:77,293,455, plus strand): 5'-GATGCAACTGCTGGTTCTGCATACACAGATATGAATGTGGTTGACATTCAGGTTAATTTA[A>AACTGTCTCTTATACACATC]TAGTTGGTTGCATTGAAGTAGTTTTTGTCACGAAATTTCTATATTCTATATTGGTAAGTA-3'